The following is an entry in ClinVar:

ClinVar aggregate classification (germline): Uncertain significance (1 of 4 stars; one submission).

Conditions:
Dilated cardiomyopathy 1DD (CMD1DD). Identifiers: Orphanet 154, MedGen C2750995, MONDO:0013168, OMIM 613172.

Submission:

Labcorp Genetics (formerly Invitae), Labcorp
Classification: Uncertain significance for Dilated cardiomyopathy 1DD. Last evaluated: 2025-11-24. Review status: criteria provided, single submitter. Criteria: Invitae Variant Classification Sherloc (09022015). Collection method: clinical testing. Allele origin: germline.
Comment: This sequence change replaces histidine, which is basic and polar, with leucine, which is neutral and non-polar, at codon 155 of the RBM20 protein (p.His155Leu). This variant is not present in population databases (gnomAD no frequency). This variant has not been reported in the literature in individuals affected with RBM20-related conditions. ClinVar contains an entry for this variant (Variation ID: 939957). Invitae Evidence Modeling of protein sequence and biophysical properties (such as structural, functional, and spatial information, amino acid conservation, physicochemical variation, residue mobility, and thermodynamic stability) indicates that this missense variant is not expected to disrupt RBM20 protein function with a negative predictive value of 95%. In summary, the available evidence is currently insufficient to determine the role of this variant in disease. Therefore, it has been classified as a Variant of Uncertain Significance.

NM_001134363.3(RBM20):c.464A>T (p.His155Leu)

Gene: RBM20 (RNA binding motif protein 20; plus strand). Cytogenetic location: 10q25.2.
Variant type: single nucleotide variant.
Coding change: c.464A>T on transcript NM_001134363.3 (MANE Select); coding-DNA position 464, A replaced by T.
Protein change: p.His155Leu; replaces histidine 155 with leucine.
Molecular consequence: missense variant.
Genome position (GRCh38, 1-based): chr10:110,781,073, A>T. VCF-style: chr10-110781073-A-T. GRCh37 (hg19) VCF-style: chr10-112540831-A-T.
Other names: short protein forms H155L.
Identifiers: ClinVar variation 939957 (VCV000939957.9), dbSNP rs1844333730, ClinGen allele CA378380515.